The following is an entry in ClinVar:

NM_000433.4(NCF2):c.1114T>C (p.Tyr372His)

Gene: NCF2 (neutrophil cytosolic factor 2; minus strand). Cytogenetic location: 1q25.3.
Variant type: single nucleotide variant.
Coding change: c.1114T>C on transcript NM_000433.4 (MANE Select); coding-DNA position 1114, T replaced by C.
Protein change: p.Tyr372His; replaces tyrosine 372 with histidine.
Molecular consequence: missense variant.
Genome position (GRCh38, 1-based): chr1:183,563,498, A>G on the plus strand (T>C on the coding strand, the complement: NCF2 is on the minus strand). VCF-style: chr1-183563498-A-G. GRCh37 (hg19) VCF-style: chr1-183532633-A-G.
Other names: c.1114T>C, p.Tyr372His (NM_001127651.3); c.871T>C, p.Tyr291His (NM_001190789.2); c.979T>C, p.Tyr327His (NM_001190794.2); c.1006T>C, p.Tyr336His (NM_001410895.1); short protein forms Y291H, Y327H, Y372H, Y336H.
Identifiers: ClinVar variation 4708012 (VCV004708012.1).

ClinVar aggregate classification (germline): Uncertain significance (1 of 4 stars; one submission).

Conditions:
Granulomatous disease, chronic, autosomal recessive, cytochrome b-positive, type 2. Also called: Chronic Granulomatous Disease, Autosomal Recessive, Cytochrome b-Positive, Type II; GRANULOMATOUS DISEASE, CHRONIC, DUE TO NCF2 DEFICIENCY; Chronic granulomatous disease due to deficiency of NCF-2; CGD, AUTOSOMAL RECESSIVE CYTOCHROME b-POSITIVE, TYPE II; GRANULOMATOUS DISEASE, CHRONIC, AUTOSOMAL RECESSIVE, 2. Identifiers: Orphanet 379, MedGen C1856245, MONDO:0009310, OMIM 233710.

gnomAD v4.1: 13 of 1,613,996 alleles (0.00081%); highest among the groups gnomAD compares: Non-Finnish European, 0.0011%; no homozygotes.

Submission:

Labcorp Genetics (formerly Invitae), Labcorp
Classification: Uncertain significance for Granulomatous disease, chronic, autosomal recessive, cytochrome b-positive, type 2. Last evaluated: 2025-10-21. Review status: criteria provided, single submitter. Criteria: Invitae Variant Classification Sherloc (09022015). Collection method: clinical testing. Allele origin: germline.
Comment: This sequence change replaces tyrosine, which is neutral and polar, with histidine, which is basic and polar, at codon 372 of the NCF2 protein (p.Tyr372His). This variant is not present in population databases (gnomAD no frequency). This variant has not been reported in the literature in individuals affected with NCF2-related conditions. Invitae Evidence Modeling of protein sequence and biophysical properties (such as structural, functional, and spatial information, amino acid conservation, physicochemical variation, residue mobility, and thermodynamic stability) indicates that this missense variant is not expected to disrupt NCF2 protein function with a negative predictive value of 80%. In summary, the available evidence is currently insufficient to determine the role of this variant in disease. Therefore, it has been classified as a Variant of Uncertain Significance.